The following is an entry in ClinVar:

NM_032119.4(ADGRV1):c.8204A>G (p.Asn2735Ser)

Gene: ADGRV1 (adhesion G protein-coupled receptor V1; plus strand). Cytogenetic location: 5q14.3.
Variant type: single nucleotide variant.
Coding change: c.8204A>G on transcript NM_032119.4 (MANE Select); coding-DNA position 8204, A replaced by G.
Protein change: p.Asn2735Ser; replaces asparagine 2735 with serine.
Molecular consequence: missense variant. On other transcripts: non-coding transcript variant (1).
Genome position (GRCh38, 1-based): chr5:90,703,713, A>G. VCF-style: chr5-90703713-A-G. GRCh37 (hg19) VCF-style: chr5-89999530-A-G.
Other names: short protein forms N2735S.
Identifiers: ClinVar variation 227412 (VCV000227412.21), dbSNP rs200604083, ClinGen allele CA3340190.

ClinVar aggregate classification (germline): Likely benign. Review status: criteria provided, multiple submitters, no conflicts (2 of 4 stars). 6 submissions from 6 submitters: Likely benign (5). 1 of the submissions does not count toward it. Last evaluated 2026-02-02.

Conditions:
ADGRV1-related disorder. Also called: ADGRV1-related condition; ADGRV1-related disorders.

Allele frequency attached by ClinVar (database versions not stated): gnomAD exomes 0.00022; ExAC 0.00040; 1000 Genomes Project 30x 0.00047; 1000 Genomes Project 0.00060; ESP Exome Variant Server 0.00102; TOPMed 0.00144.
gnomAD v4.1: 298 of 1,605,956 alleles (0.019%); highest among the groups gnomAD compares: African/African-American, 0.32%; 1 homozygote.

Submissions (6):

Labcorp Genetics (formerly Invitae), Labcorp
Classification: Likely benign. Last evaluated: 2026-02-02. Review status: criteria provided, single submitter. Criteria: Invitae Variant Classification Sherloc (09022015). Collection method: clinical testing. Allele origin: germline.

Blueprint Genetics
Classification: Likely benign. Last evaluated: 2024-09-04. Review status: criteria provided, single submitter. Criteria: ACMG Guidelines, 2015. Collection method: clinical testing. Allele origin: germline.

Women's Health and Genetics/Laboratory Corporation of America, LabCorp
Classification: Likely benign. Last evaluated: 2024-01-18. Review status: criteria provided, single submitter. Criteria: LabCorp Variant Classification Summary - May 2015. Collection method: clinical testing. Allele origin: germline.
Comment: Variant summary: ADGRV1 c.8204A>G (p.Asn2735Ser) results in a conservative amino acid change located in the Na-Ca exchanger/integrin-beta4 (IPR003644) of the encoded protein sequence. Three of five in-silico tools predict a damaging effect of the variant on protein function. The variant allele was found at a frequency of 0.00019 in 1605956 control chromosomes, predominantly at a frequency of 0.0032 within the African or African-American subpopulation in the gnomAD database, including 1 homozygotes. To our knowledge, no occurrence of c.8204A>G in individuals affected with ADGRV1-Related Disorders and no experimental evidence demonstrating its impact on protein function have been reported. ClinVar contains an entry for this variant (Variation ID: 227412). Based on the evidence outlined above, the variant was classified as likely benign.

GeneDx
Classification: Likely benign. Last evaluated: 2020-12-16. Review status: criteria provided, single submitter. Criteria: GeneDx Variant Classification Process June 2021. Collection method: clinical testing. Allele origin: germline. Affected: yes.

Laboratory for Molecular Medicine, Mass General Brigham Personalized Medicine
Classification: Likely benign. Last evaluated: 2015-01-06. Review status: criteria provided, single submitter. Criteria: LMM Criteria. Collection method: clinical testing. Allele origin: germline. Observed: 1 variant allele.
Comment: p.Asn2735Ser in exon 35 of GPR98: This variant is not expected to have clinical significance because it has been identified in 0.4% (31/7266) of African chromos omes by the Exome Aggregation Consortium (ExAC; dbSNP rs200604083).

PreventionGenetics, part of Exact Sciences
Classification: Likely benign for ADGRV1-related condition. Last evaluated: 2021-06-28. Review status: no assertion criteria provided. Collection method: clinical testing. Allele origin: germline. Not counted in ClinVar's aggregate classification.
Comment: This variant is classified as likely benign based on ACMG/AMP sequence variant interpretation guidelines (Richards et al. 2015 PMID: 25741868, with internal and published modifications).